The following is an entry in ClinVar:

ClinVar aggregate classification (germline): Uncertain significance (1 of 4 stars; one submission).

gnomAD v4.1: 26 of 1,613,936 alleles (0.0016%); highest among the groups gnomAD compares: East Asian, 0.0022%; no homozygotes.

Submission:

Mayo Clinic Laboratories, Mayo Clinic
Classification: Uncertain significance. Last evaluated: 2025-08-15. Review status: criteria provided, single submitter. Criteria: ACMG Guidelines, 2015. Collection method: clinical testing. Allele origin: germline. Observed: 1 variant allele.
Comment: BP4, PM2_supporting

NM_001135254.2(PAX7):c.1244C>T (p.Ser415Leu)

Gene: PAX7 (paired box 7; plus strand). Cytogenetic location: 1p36.13.
Variant type: single nucleotide variant.
Coding change: c.1244C>T on transcript NM_001135254.2 (MANE Select); coding-DNA position 1244, C replaced by T.
Protein change: p.Ser415Leu; replaces serine 415 with leucine.
Molecular consequence: missense variant.
Genome position (GRCh38, 1-based): chr1:18,735,720, C>T. VCF-style: chr1-18735720-C-T. GRCh37 (hg19) VCF-style: chr1-19062214-C-T.
Other names: p.Ser415Leu; c.1244C>T, p.Ser415Leu (NM_002584.3); c.1238C>T, p.Ser413Leu (NM_013945.3); short protein forms S413L, S415L.
Identifiers: ClinVar variation 4540845 (VCV004540845.1).